The following is an entry in ClinVar:

ClinVar aggregate classification (germline): Uncertain significance (1 of 4 stars; one submission).

Conditions:
PMM2-congenital disorder of glycosylation. Also called: PMM2-CDG; JAEKEN SYNDROME; PHOSPHOMANNOMUTASE 2 DEFICIENCY; Congenital disorder of glycosylation, type Ia; CDG Ia; CARBOHYDRATE-DEFICIENT GLYCOPROTEIN SYNDROME, TYPE Ia. Identifiers: Orphanet 79318, MedGen C0349653, MONDO:0008907, OMIM 212065.

Submission:

Labcorp Genetics (formerly Invitae), Labcorp
Classification: Uncertain significance for PMM2-congenital disorder of glycosylation. Last evaluated: 2021-09-01. Review status: criteria provided, single submitter. Criteria: Invitae Variant Classification Sherloc (09022015). Collection method: clinical testing. Allele origin: germline.
Comment: This sequence change replaces aspartic acid with glutamic acid at codon 209 of the PMM2 protein (p.Asp209Glu). The aspartic acid residue is highly conserved and there is a small physicochemical difference between aspartic acid and glutamic acid. This variant is not present in population databases (ExAC no frequency). This variant has not been reported in the literature in individuals affected with PMM2-related conditions. Algorithms developed to predict the effect of missense changes on protein structure and function (SIFT, PolyPhen-2, Align-GVGD) all suggest that this variant is likely to be disruptive. In summary, the available evidence is currently insufficient to determine the role of this variant in disease. Therefore, it has been classified as a Variant of Uncertain Significance.

NM_000303.3(PMM2):c.627C>G (p.Asp209Glu)

Gene: PMM2 (phosphomannomutase 2; plus strand). Cytogenetic location: 16p13.2.
Variant type: single nucleotide variant.
Coding change: c.627C>G on transcript NM_000303.3 (MANE Select); coding-DNA position 627, C replaced by G.
Protein change: p.Asp209Glu; replaces aspartic acid 209 with glutamic acid.
Molecular consequence: missense variant.
Genome position (GRCh38, 1-based): chr16:8,813,094, C>G. VCF-style: chr16-8813094-C-G. GRCh37 (hg19) VCF-style: chr16-8906951-C-G.
Other names: short protein forms D209E.
Identifiers: ClinVar variation 1910545 (VCV001910545.2), dbSNP rs1596489918, ClinGen allele CA394698082.